The following is an entry in ClinVar:

ClinVar aggregate classification (germline): Likely benign (1 of 4 stars; one submission).

Conditions:
ABCG5-related disorder. Also called: ABCG5-related condition.

gnomAD v4.1: 1 of 1,614,192 alleles (0.000062%); highest among the groups gnomAD compares: South Asian, 0.0011%; no homozygotes.

Submission:

PreventionGenetics, part of Exact Sciences
Classification: Likely benign for ABCG5-related condition. Last evaluated: 2025-07-23. Review status: criteria provided, single submitter. Criteria: ACMG Guidelines, 2015. Collection method: clinical testing. Allele origin: germline.
Comment: This variant is classified as likely benign based on ACMG/AMP sequence variant interpretation guidelines (Richards et al. 2015 PMID: 25741868, with internal and published modifications).

NM_022436.3(ABCG5):c.999A>G (p.Ala333=)

Genes: ABCG5 (ATP binding cassette subfamily G member 5; minus strand), DYNC2LI1 (dynein cytoplasmic 2 light intermediate chain 1; plus strand). Cytogenetic location: 2p21.
Variant type: single nucleotide variant.
Coding change: c.999A>G on transcript NM_022436.3 (MANE Select); coding-DNA position 999, A replaced by G.
Protein change: p.Ala333=; no amino-acid change (alanine 333 retained).
Molecular consequence: synonymous variant. On other transcripts: intron variant (2).
Genome position (GRCh38, 1-based): chr2:43,824,338, T>C on the plus strand (A>G on the coding strand, the complement: ABCG5 is on the minus strand). VCF-style: chr2-43824338-T-C. GRCh37 (hg19) VCF-style: chr2-44051477-T-C.
Other names: c.*16-3048T>C (NM_001348913.2, NM_001348912.2).
Identifiers: ClinVar variation 5001357 (VCV005001357.1).
Genomic context (GRCh38, chr2:43,824,338, plus strand): 5'-CATTGGTAACGTTTTCAGGTGTTTCATTCTTTCAATATTCTTCAAAGTTTTATGACAAAT[T>C]GCTGATTTCTTGTAGGCAGATTCTATCATCTGGACTCTCTTGGAGGTTTCTATTTCCCGT-3'
Protein context (NP_071881.1, residues 323-343): QMIESAYKKS[Ala333=]ICHKTLKNIE